The following is an entry in ClinVar:

ClinVar aggregate classification (germline): Pathogenic/Likely pathogenic. Review status: criteria provided, multiple submitters, no conflicts (2 of 4 stars). 4 submissions from 4 submitters: Pathogenic (3); Likely pathogenic (1). Last evaluated 2026-09-02.

Conditions:
IRF6-related condition. Also called: IRF6-Related Disorders; IRF6-related disorder. Identifiers: MedGen CN378148, MONDO:1040010.
Orofacial cleft 6, susceptibility to (OFC6). Also called: CLEFT LIP WITH OR WITHOUT CLEFT PALATE, NONSYNDROMIC, 6. Identifiers: MedGen C1837213, MONDO:0012141, OMIM 608864.
Van der Woude syndrome. Identifiers: Orphanet 888, MedGen C0175697, MONDO:0019508.
Popliteal pterygium syndrome (PPS). Identifiers: Orphanet 294963, MedGen C0265259, MONDO:0017435.
Inborn genetic diseases. Identifiers: MedGen C0950123, MeSH D030342.

Submissions (4):

PreventionGenetics, part of Exact Sciences
Classification: Pathogenic for IRF6-related condition. Last evaluated: 2026-09-02. Review status: criteria provided, single submitter. Criteria: ACMG Guidelines, 2015. Collection method: clinical testing. Allele origin: germline.
Comment: The IRF6 c.1060+1G>A variant is predicted to disrupt the GT donor site and interfere with normal splicing. To our knowledge, this variant has not been reported in the literature. This variant has not been reported in a large population database (gnomAD), indicating this variant is rare. Variants that disrupt the consensus splice donor site in IRF6 are expected to be pathogenic. This variant is interpreted as pathogenic.

GeneDx
Classification: Pathogenic. Last evaluated: 2025-06-04. Review status: criteria provided, single submitter. Criteria: GeneDx Variant Classification Process June 2021. Collection method: clinical testing. Allele origin: germline. Affected: yes.
Comment: Canonical splice site variant predicted to result in an in-frame loss of the adjacent exon in a gene for which loss of function is a known mechanism of disease; Not observed at significant frequency in large population cohorts (gnomAD); Has not been previously published as pathogenic or benign to our knowledge

Ambry Genetics
Classification: Pathogenic for Inborn genetic diseases. Last evaluated: 2022-02-28. Review status: criteria provided, single submitter. Criteria: Ambry Variant Classification Scheme 2023. Collection method: clinical testing. Allele origin: germline.
Comment: The c.1060+1G>A intronic variant results from a G to A substitution one nucleotide after coding exon 5 of the IRF6 gene. Alterations that disrupt the canonical splice site are expected to cause aberrant splicing, resulting in an abnormal protein or a transcript that is subject to nonsense-mediated mRNA decay. This variant was not reported in population-based cohorts in the Genome Aggregation Database (gnomAD). In silico splice site analysis predicts that this alteration will weaken the native splice donor site. Based on the available evidence, this alteration is classified as pathogenic.

Labcorp Genetics (formerly Invitae), Labcorp
Classification: Likely pathogenic for Orofacial cleft 6, susceptibility to; Van der Woude syndrome; Popliteal pterygium syndrome. Last evaluated: 2016-12-29. Review status: criteria provided, single submitter. Criteria: Invitae Variant Classification Sherloc (09022015). Collection method: clinical testing. Allele origin: germline.
Comment: This sequence change affects a donor splice site in intron 7 of the IRF6 gene. It is expected to disrupt RNA splicing and likely results in an absent or disrupted protein product. This variant has not been reported in the literature in individuals with a IRF6-related disease. In summary, donor and acceptor splice site variants are typically loss-of-function (PMID: 16199547), and loss-of-function variants in IRF6 are known to be pathogenic (PMID: 12219090, 19282774, 19623037, 21468557, 25579819). However, without additional functional and/or genetic data, this variant has been classified as Likely Pathogenic.

Literature cited by the submitters: PubMed 16199547 (cited by Labcorp Genetics (formerly Invitae), Labcorp); PubMed 12219090 (cited by Labcorp Genetics (formerly Invitae), Labcorp); PubMed 19282774 (cited by Labcorp Genetics (formerly Invitae), Labcorp); PubMed 19623037 (cited by Labcorp Genetics (formerly Invitae), Labcorp); PubMed 21468557 (cited by Labcorp Genetics (formerly Invitae), Labcorp); PubMed 25579819 (cited by Labcorp Genetics (formerly Invitae), Labcorp).

NM_006147.4(IRF6):c.1060+1G>A

Gene: IRF6 (interferon regulatory factor 6; minus strand). Cytogenetic location: 1q32.2.
Variant type: single nucleotide variant.
Coding change: c.1060+1G>A on transcript NM_006147.4 (MANE Select); the canonical splice donor site of the intron after coding-DNA position 1060, G replaced by A.
Molecular consequence: splice donor variant.
Genome position (GRCh38, 1-based): chr1:209,790,494, C>T on the plus strand (G>A on the coding strand, the complement: IRF6 is on the minus strand). VCF-style: chr1-209790494-C-T. GRCh37 (hg19) VCF-style: chr1-209963839-C-T.
Other names: c.775+1G>A (NM_001206696.2).
Identifiers: ClinVar variation 458679 (VCV000458679.11), dbSNP rs781506407, ClinGen allele CA344575003.